The following is an entry in ClinVar:

NM_000043.6(FAS):c.652G>A (p.Glu218Lys)

Gene: FAS (Fas cell surface death receptor; plus strand). Cytogenetic location: 10q23.31.
Variant type: single nucleotide variant.
Coding change: c.652G>A on transcript NM_000043.6 (MANE Select); coding-DNA position 652, G replaced by A.
Protein change: p.Glu218Lys; replaces glutamic acid 218 with lysine.
Molecular consequence: missense variant. On other transcripts: non-coding transcript variant (7), intron variant (1).
Genome position (GRCh38, 1-based): chr10:89,013,343, G>A. VCF-style: chr10-89013343-G-A. GRCh37 (hg19) VCF-style: chr10-90773100-G-A.
Other names: c.569G>A, p.Gly190Glu (NM_001320619.2); c.697G>A, p.Glu233Lys (NM_001410956.1); c.589G>A, p.Glu197Lys (NM_152871.4); c.652-776G>A (NM_152872.4); short protein forms G190E, E233K, E197K, E218K.
Identifiers: ClinVar variation 2863737 (VCV002863737.3), dbSNP rs1848623750, ClinGen allele CA377509412.

ClinVar aggregate classification (germline): Uncertain significance (1 of 4 stars; one submission).

Conditions:
Autoimmune lymphoproliferative syndrome type 1. Also called: AUTOIMMUNE LYMPHOPROLIFERATIVE SYNDROME, TYPE I, AUTOSOMAL DOMINANT. Identifiers: Orphanet 3261, MedGen C2717884, MONDO:0011158, OMIM 601859.

Allele frequency attached by ClinVar (database versions not stated): TOPMed 0.00001.
gnomAD v4.1: 3 of 1,610,206 alleles (0.00019%); highest among the groups gnomAD compares: Non-Finnish European, 0.00025%; no homozygotes.

Submission:

Labcorp Genetics (formerly Invitae), Labcorp
Classification: Uncertain significance for Autoimmune lymphoproliferative syndrome. Last evaluated: 2023-05-12. Review status: criteria provided, single submitter. Criteria: Invitae Variant Classification Sherloc (09022015). Collection method: clinical testing. Allele origin: germline.
Comment: In summary, the available evidence is currently insufficient to determine the role of this variant in disease. Therefore, it has been classified as a Variant of Uncertain Significance. An algorithm developed to predict the effect of missense changes on protein structure and function (PolyPhen-2) suggests that this variant is likely to be tolerated. This variant has not been reported in the literature in individuals affected with FAS-related conditions. This variant is not present in population databases (gnomAD no frequency). This sequence change replaces glutamic acid, which is acidic and polar, with lysine, which is basic and polar, at codon 218 of the FAS protein (p.Glu218Lys).